The following is an entry in ClinVar:

NM_014049.5(ACAD9):c.634-5C>T

Gene: ACAD9 (acyl-CoA dehydrogenase family member 9; plus strand). Cytogenetic location: 3q21.3.
Variant type: single nucleotide variant.
Coding change: c.634-5C>T on transcript NM_014049.5 (MANE Select); 5 bases into the intron before coding-DNA position 634, C replaced by T.
Molecular consequence: intron variant.
Genome position (GRCh38, 1-based): chr3:128,899,282, C>T. VCF-style: chr3-128899282-C-T. GRCh37 (hg19) VCF-style: chr3-128618125-C-T.
Identifiers: ClinVar variation 384989 (VCV000384989.10), dbSNP rs202115420, ClinGen allele CA2601236.

ClinVar aggregate classification (germline): Likely benign. Review status: criteria provided, multiple submitters, no conflicts (2 of 4 stars). 2 submissions from 2 submitters: Likely benign (2). Last evaluated 2026-01-09.

Allele frequency attached by ClinVar (database versions not stated): gnomAD exomes 0.00001 and below 0.00001; ExAC 0.00002; 1000 Genomes Project 30x 0.00016; 1000 Genomes Project 0.00020; gnomAD 0.00001.
gnomAD v4.1: 7 of 1,614,132 alleles (0.00043%); highest among the groups gnomAD compares: Non-Finnish European, 0.00059%; no homozygotes.

Submissions (2):

Labcorp Genetics (formerly Invitae), Labcorp
Classification: Likely benign. Last evaluated: 2026-01-09. Review status: criteria provided, single submitter. Criteria: Invitae Variant Classification Sherloc (09022015). Collection method: clinical testing. Allele origin: germline.

GeneDx
Classification: Likely benign. Last evaluated: 2016-04-14. Review status: criteria provided, single submitter. Criteria: GeneDx Variant Classification (06012015). Collection method: clinical testing. Allele origin: germline. Affected: yes.
Comment: This variant is considered likely benign or benign based on one or more of the following criteria: it is a conservative change, it occurs at a poorly conserved position in the protein, it is predicted to be benign by multiple in silico algorithms, and/or has population frequency not consistent with disease.